The following is an entry in ClinVar:

ClinVar aggregate classification (germline): Uncertain significance. Review status: criteria provided, multiple submitters, no conflicts (2 of 4 stars). 4 submissions from 4 submitters: Uncertain significance (4). Last evaluated 2025-07-09.

Conditions:
Cardiovascular phenotype. Identifiers: MedGen CN230736.

Allele frequency attached by ClinVar (database versions not stated): gnomAD exomes 0.00001 and 0.00002; ExAC 0.00002; gnomAD 0.00007 and 0.00008; ESP Exome Variant Server 0.00008; TOPMed 0.00015.
gnomAD v4.1: 30 of 1,613,888 alleles (0.0019%); highest among the groups gnomAD compares: Admixed American, 0.018%; no homozygotes.

Submissions (4):

Ambry Genetics
Classification: Uncertain significance for Cardiovascular phenotype. Last evaluated: 2025-07-09. Review status: criteria provided, single submitter. Criteria: Ambry Variant Classification Scheme 2023. Collection method: clinical testing. Allele origin: germline.
Comment: The p.G1544S variant (also known as c.4630G>A), located in coding exon 8 of the ALPK3 gene, results from a G to A substitution at nucleotide position 4630. The glycine at codon 1544 is replaced by serine, an amino acid with similar properties. This amino acid position is highly conserved in available vertebrate species. In addition, the in silico prediction for this alteration is inconclusive. Based on the available evidence, the clinical significance of this variant remains unclear.

Labcorp Genetics (formerly Invitae), Labcorp
Classification: Uncertain significance. Last evaluated: 2025-06-02. Review status: criteria provided, single submitter. Criteria: Invitae Variant Classification Sherloc (09022015). Collection method: clinical testing. Allele origin: germline.
Comment: This sequence change replaces glycine, which is neutral and non-polar, with serine, which is neutral and polar, at codon 1544 of the ALPK3 protein (p.Gly1544Ser). This variant is present in population databases (rs373062858, gnomAD 0.01%). This variant has not been reported in the literature in individuals affected with ALPK3-related conditions. ClinVar contains an entry for this variant (Variation ID: 1427923). Invitae Evidence Modeling of protein sequence and biophysical properties (such as structural, functional, and spatial information, amino acid conservation, physicochemical variation, residue mobility, and thermodynamic stability) indicates that this missense variant is expected to disrupt ALPK3 protein function with a positive predictive value of 80%. In summary, the available evidence is currently insufficient to determine the role of this variant in disease. Therefore, it has been classified as a Variant of Uncertain Significance.

GeneDx
Classification: Uncertain significance. Last evaluated: 2024-04-18. Review status: criteria provided, single submitter. Criteria: GeneDx Variant Classification Process June 2021. Collection method: clinical testing. Allele origin: germline. Affected: yes.
Comment: In silico analysis supports that this missense variant has a deleterious effect on protein structure/function; Has not been previously published as pathogenic or benign to our knowledge

Blueprint Genetics
Classification: Uncertain significance. Last evaluated: 2020-04-03. Review status: criteria provided, single submitter. Criteria: ACMG Guidelines, 2015. Collection method: clinical testing. Allele origin: germline.

NM_020778.5(ALPK3):c.4024G>A (p.Gly1342Ser)

Gene: ALPK3 (alpha kinase 3; plus strand). Cytogenetic location: 15q25.3.
Variant type: single nucleotide variant.
Coding change: c.4024G>A on transcript NM_020778.5 (MANE Select); coding-DNA position 4024, G replaced by A.
Protein change: p.Gly1342Ser; replaces glycine 1342 with serine.
Molecular consequence: missense variant.
Genome position (GRCh38, 1-based): chr15:84,859,834, G>A. VCF-style: chr15-84859834-G-A. GRCh37 (hg19) VCF-style: chr15-85403065-G-A.
Other names: short protein forms G1342S.
Identifiers: ClinVar variation 1427923 (VCV001427923.11), dbSNP rs373062858, ClinGen allele CA7709810.
Genomic context (GRCh38, chr15:84,859,834, plus strand): 5'-AGCGCAGGGGATGAGGGGCCGGCGGCCTTGGCCATCGTGCAGGCCTCCCCCGTAGACTGC[G>A]GTGTGTATCGGTGCACCATCCACAATGAGCACGGCTCGGCCTCCACCGACTTCTGCCTCA-3'
Protein context (NP_065829.4, residues 1332-1352): AIVQASPVDC[Gly1342Ser]VYRCTIHNEH